The following is an entry in ClinVar:

ClinVar aggregate classification (germline): Pathogenic (1 of 4 stars; one submission).

Submission:

Labcorp Genetics (formerly Invitae), Labcorp
Classification: Pathogenic. Last evaluated: 2023-01-26. Review status: criteria provided, single submitter. Criteria: Invitae Variant Classification Sherloc (09022015). Collection method: clinical testing. Allele origin: unknown.
Comment: For these reasons, this variant has been classified as Pathogenic. A similar copy number variant has been observed in individual(s) with deafness (PMID: 34440452). This variant is a gross deletion of the genomic region encompassing exon(s) 1-46 of the COL11A1 gene, which includes the initiator codon. This deletion extends beyond the assayed region for this gene and therefore may encompass additional genes. It is expected to result in an absent or disrupted protein product. Loss-of-function variants in COL11A1 are known to be pathogenic (PMID: 20513134, 21035103, 23922384, 25240749, 32427345, 32756486).

Literature cited by the submitters: PubMed 34440452; PubMed 20513134; PubMed 21035103; PubMed 23922384; PubMed 25240749; PubMed 32427345; PubMed 32756486.

NC_000001.10:g.(?_103399985)_(104094402_?)del

Genes: COL11A1 (collagen type XI alpha 1 chain; minus strand), RNPC3 (RNA binding region (RNP1, RRM) containing 3; plus strand). Cytogenetic location: 1p21.1.
Variant type: Deletion.
Identifiers: ClinVar variation 3247919 (VCV003247919.1).